The following is an entry in ClinVar:

NM_030973.4(MED25):c.773C>T (p.Ser258Leu)

Gene: MED25 (mediator complex subunit 25; plus strand). Cytogenetic location: 19q13.33.
Variant type: single nucleotide variant.
Coding change: c.773C>T on transcript NM_030973.4 (MANE Select); coding-DNA position 773, C replaced by T.
Protein change: p.Ser258Leu; replaces serine 258 with leucine.
Molecular consequence: missense variant.
Genome position (GRCh38, 1-based): chr19:49,830,172, C>T. VCF-style: chr19-49830172-C-T. GRCh37 (hg19) VCF-style: chr19-50333429-C-T.
Other names: c.773C>T, p.Ser258Leu (NM_001378355.1); short protein forms S258L.
Identifiers: ClinVar variation 543195 (VCV000543195.8), dbSNP rs950408993, ClinGen allele CA309515769.

ClinVar aggregate classification (germline): Uncertain significance (1 of 4 stars; one submission).

Conditions:
Charcot-Marie-Tooth disease type 2. Also called: Charcot-Marie-Tooth type 2. Identifiers: Orphanet 64746, MedGen C0270914, MONDO:0018993.

Submission:

Labcorp Genetics (formerly Invitae), Labcorp
Classification: Uncertain significance for Charcot-Marie-Tooth disease type 2. Last evaluated: 2017-12-20. Review status: criteria provided, single submitter. Criteria: Invitae Variant Classification Sherloc (09022015). Collection method: clinical testing. Allele origin: germline.
Comment: This sequence change replaces serine with leucine at codon 258 of the MED25 protein (p.Ser258Leu). The serine residue is moderately conserved and there is a large physicochemical difference between serine and leucine. In summary, the available evidence is currently insufficient to determine the role of this variant in disease. Therefore, it has been classified as a Variant of Uncertain Significance. Algorithms developed to predict the effect of missense changes on protein structure and function (SIFT, PolyPhen-2, Align-GVGD) all suggest that this variant is likely to be tolerated, but these predictions have not been confirmed by published functional studies and their clinical significance is uncertain. This variant has not been reported in the literature in individuals with MED25-related disease. This variant is not present in population databases (ExAC no frequency).